The following is an entry in ClinVar:

ClinVar aggregate classification (germline): Uncertain significance (1 of 4 stars; one submission).

Conditions:
SAMD9L-related disorder. Also called: SAMD9L-related disorders; SAMD9L-related condition.

Submission:

PreventionGenetics, part of Exact Sciences
Classification: Uncertain significance for SAMD9L-related condition. Last evaluated: 2025-02-13. Review status: criteria provided, single submitter. Criteria: ACMG Guidelines, 2015. Collection method: clinical testing. Allele origin: germline.
Comment: The SAMD9L c.4402A>G variant is predicted to result in the amino acid substitution p.Arg1468Gly. To our knowledge, this variant has not been reported in the literature or in a large population database (gnomAD), indicating this variant is rare. At this time, the clinical significance of this variant is uncertain due to the absence of conclusive functional and genetic evidence.

NM_152703.5(SAMD9L):c.4402A>G (p.Arg1468Gly)

Gene: SAMD9L (sterile alpha motif domain containing 9 like; minus strand). Cytogenetic location: 7q21.2.
Variant type: single nucleotide variant.
Coding change: c.4402A>G on transcript NM_152703.5 (MANE Select); coding-DNA position 4402, A replaced by G.
Protein change: p.Arg1468Gly; replaces arginine 1468 with glycine.
Molecular consequence: missense variant.
Genome position (GRCh38, 1-based): chr7:93,131,570, T>C on the plus strand (A>G on the coding strand, the complement: SAMD9L is on the minus strand). VCF-style: chr7-93131570-T-C. GRCh37 (hg19) VCF-style: chr7-92760883-T-C.
Other names: c.4402A>G, p.Arg1468Gly (NM_001303496.3, NM_001303497.3, NM_001303498.3 and 5 more transcripts); short protein forms R1468G.
Identifiers: ClinVar variation 5001519 (VCV005001519.1).
Genomic context (GRCh38, chr7:93,131,570, plus strand): 5'-CAATACTGTTTAGACCCTTCCTTTTGCCCAGATAGAAAAGTGTGCTTGCCTGCTTGGACC[T>C]GCACATGCGCTTGTACTGTCCCCTGAAGGATCTATTTAAGGATGAAACATACTTTTCTAT-3'
Protein context (NP_689916.2, residues 1458-1478): SFRGQYKRMC[Arg1468Gly]SKQASTLFYL